The following is an entry in ClinVar:

ClinVar aggregate classification (germline): Uncertain significance (1 of 4 stars; one submission).

Submission:

Women's Health and Genetics/Laboratory Corporation of America, LabCorp
Classification: Uncertain significance. Last evaluated: 2023-07-26. Review status: criteria provided, single submitter. Criteria: LabCorp Variant Classification Summary - May 2015. Collection method: clinical testing. Allele origin: germline.
Comment: Variant summary: OCA2 c.1342C>T (p.Leu448Phe) results in a non-conservative amino acid change located in the Citrate transporter-like domain (IPR004680) of the encoded protein sequence. Five of five in-silico tools predict a damaging effect of the variant on protein function. The variant was absent in 250232 control chromosomes. c.1342C>T has been reported in the literature in individuals affected with Oculocutaneous Albinism (Zhong_2019). These data indicate that the variant may be associated with disease. To our knowledge, no experimental evidence demonstrating an impact on protein function has been reported. The following publication have been ascertained in the context of this evaluation (PMID: 31077556). No submitters have cited clinical-significance assessments for this variant to ClinVar after 2014. Based on the evidence outlined above, the variant was classified as VUS-possibly pathogenic.

Literature cited by the submitters: PubMed 31077556.

NM_000275.3(OCA2):c.1342C>T (p.Leu448Phe)

Gene: OCA2 (OCA2 melanosomal transmembrane protein; minus strand). Cytogenetic location: 15q13.1.
Variant type: single nucleotide variant.
Coding change: c.1342C>T on transcript NM_000275.3 (MANE Select); coding-DNA position 1342, C replaced by T.
Protein change: p.Leu448Phe; replaces leucine 448 with phenylalanine.
Molecular consequence: missense variant.
Genome position (GRCh38, 1-based): chr15:27,985,086, G>A on the plus strand (C>T on the coding strand, the complement: OCA2 is on the minus strand). VCF-style: chr15-27985086-G-A. GRCh37 (hg19) VCF-style: chr15-28230232-G-A.
Other names: c.1270C>T, p.Leu424Phe (NM_001300984.2); short protein forms L424F, L448F.
Identifiers: ClinVar variation 2577256 (VCV002577256.1), dbSNP rs2548345123, ClinGen allele CA391360532.